The following is an entry in ClinVar:

ClinVar aggregate classification (germline): Uncertain significance (1 of 4 stars; one submission).

Allele frequency attached by ClinVar (database versions not stated): ExAC 0.00001; gnomAD exomes 0.00001 and 0.00002; gnomAD 0.00002; TOPMed 0.00007.
gnomAD v4.1: 34 of 1,613,870 alleles (0.0021%); highest among the groups gnomAD compares: African/African-American, 0.0093%; no homozygotes.

Submission:

Labcorp Genetics (formerly Invitae), Labcorp
Classification: Uncertain significance. Last evaluated: 2022-09-01. Review status: criteria provided, single submitter. Criteria: Invitae Variant Classification Sherloc (09022015). Collection method: clinical testing. Allele origin: germline.
Comment: This sequence change replaces proline, which is neutral and non-polar, with serine, which is neutral and polar, at codon 988 of the PCLO protein (p.Pro988Ser). This variant is present in population databases (rs371254741, gnomAD 0.007%). This variant has not been reported in the literature in individuals affected with PCLO-related conditions. ClinVar contains an entry for this variant (Variation ID: 1475390). Algorithms developed to predict the effect of missense changes on protein structure and function output the following: SIFT: "Tolerated"; PolyPhen-2: "Not Available"; Align-GVGD: "Class C0". The serine amino acid residue is found in multiple mammalian species, which suggests that this missense change does not adversely affect protein function. In summary, the available evidence is currently insufficient to determine the role of this variant in disease. Therefore, it has been classified as a Variant of Uncertain Significance.

NM_033026.6(PCLO):c.2962C>T (p.Pro988Ser)

Gene: PCLO (piccolo presynaptic cytomatrix protein; minus strand). Cytogenetic location: 7q21.11.
Variant type: single nucleotide variant.
Coding change: c.2962C>T on transcript NM_033026.6 (MANE Select); coding-DNA position 2962, C replaced by T.
Protein change: p.Pro988Ser; replaces proline 988 with serine.
Molecular consequence: missense variant.
Genome position (GRCh38, 1-based): chr7:83,134,588, G>A on the plus strand (C>T on the coding strand, the complement: PCLO is on the minus strand). VCF-style: chr7-83134588-G-A. GRCh37 (hg19) VCF-style: chr7-82763904-G-A.
Other names: c.2962C>T, p.Pro988Ser (NM_014510.3); short protein forms P988S.
Identifiers: ClinVar variation 1475390 (VCV001475390.5), dbSNP rs371254741, ClinGen allele CA4321168.